The following is an entry in ClinVar:

NM_000484.4(APP):c.1653G>A (p.Val551=)

Gene: APP (amyloid beta precursor protein; minus strand). Cytogenetic location: 21q21.3.
Variant type: single nucleotide variant.
Coding change: c.1653G>A on transcript NM_000484.4 (MANE Select); coding-DNA position 1653, G replaced by A.
Protein change: p.Val551=; no amino-acid change (valine 551 retained).
Molecular consequence: synonymous variant.
Genome position (GRCh38, 1-based): chr21:25,954,624, C>T on the plus strand (G>A on the coding strand, the complement: APP is on the minus strand). VCF-style: chr21-25954624-C-T. GRCh37 (hg19) VCF-style: chr21-27326938-C-T.
Other names: c.1653G>A (NM_000484.3); c.1581G>A, p.Val527= (NM_001136016.3); c.1260G>A, p.Val420= (NM_001136129.3); c.1485G>A, p.Val495= (NM_001136130.3, NM_001385253.1); c.1323G>A, p.Val441= (NM_001136131.3); c.1653G>A, p.Val551= (NM_001204301.2); c.1596G>A, p.Val532= (NM_001204302.2, NM_201413.3); c.1428G>A, p.Val476= (NM_001204303.2, NM_201414.3).
Identifiers: ClinVar variation 2148315 (VCV002148315.6), dbSNP rs753839018, ClinGen allele CA9987245.

ClinVar aggregate classification (germline): Likely benign. Review status: criteria provided, single submitter (1 of 4 stars). 2 submissions from 2 submitters: Likely benign (1). 1 of the submissions does not count toward it. Last evaluated 2022-09-22.

Conditions:
Alzheimer disease. Also called: Alzheimer's disease; Presenile and senile dementia. Identifiers: Orphanet 1020, MedGen C0002395, MeSH D000544, MONDO:0004975, HP:0002511.
APP-related disorder. Also called: APP-related condition.

Allele frequency attached by ClinVar (database versions not stated): gnomAD exomes 0.00001; TOPMed 0.00002; ExAC 0.00003.
gnomAD v4.1: 10 of 1,614,128 alleles (0.00062%); highest among the groups gnomAD compares: Admixed American, 0.005%; no homozygotes.

Submissions (2):

Labcorp Genetics (formerly Invitae), Labcorp
Classification: Likely benign for Alzheimer disease. Last evaluated: 2022-09-22. Review status: criteria provided, single submitter. Criteria: Invitae Variant Classification Sherloc (09022015). Collection method: clinical testing. Allele origin: germline.

PreventionGenetics, part of Exact Sciences
Classification: Likely benign for APP-related condition. Last evaluated: 2023-03-16. Review status: no assertion criteria provided. Collection method: clinical testing. Allele origin: germline. Not counted in ClinVar's aggregate classification.
Comment: This variant is classified as likely benign based on ACMG/AMP sequence variant interpretation guidelines (Richards et al. 2015 PMID: 25741868, with internal and published modifications).